The following is an entry in ClinVar:

ClinVar aggregate classification (germline): Uncertain significance (1 of 4 stars; one submission).

gnomAD v4.1: 1 of 1,599,438 alleles (0.000063%); highest among the groups gnomAD compares: Admixed American, 0.0017%; no homozygotes.

Submission:

GeneDx
Classification: Uncertain significance. Last evaluated: 2023-04-13. Review status: criteria provided, single submitter. Criteria: GeneDx Variant Classification Process June 2021. Collection method: clinical testing. Allele origin: germline. Affected: yes.
Comment: Not observed at significant frequency in large population cohorts (gnomAD); In silico analysis supports that this missense variant does not alter protein structure/function; Has not been previously published as pathogenic or benign to our knowledge

NM_024757.5(EHMT1):c.56G>T (p.Cys19Phe)

Gene: EHMT1 (euchromatic histone lysine methyltransferase 1; plus strand). Cytogenetic location: 9q34.3.
Variant type: single nucleotide variant.
Coding change: c.56G>T on transcript NM_024757.5 (MANE Select); coding-DNA position 56, G replaced by T.
Protein change: p.Cys19Phe; replaces cysteine 19 with phenylalanine.
Molecular consequence: missense variant. On other transcripts: intron variant (2).
Genome position (GRCh38, 1-based): chr9:137,711,001, G>T. VCF-style: chr9-137711001-G-T. GRCh37 (hg19) VCF-style: chr9-140605453-G-T.
Other names: c.56G>T, p.Cys19Phe (NM_001145527.2, NM_001354263.2, NM_001354611.2); c.-8-5625G>T (NM_001354259.2, NM_001354612.2); short protein forms C19F.
Identifiers: ClinVar variation 3343090 (VCV003343090.1).